The following is an entry in ClinVar:

ClinVar aggregate classification (germline): Uncertain significance (1 of 4 stars; one submission).

Submission:

Labcorp Genetics (formerly Invitae), Labcorp
Classification: Uncertain significance. Last evaluated: 2024-10-30. Review status: criteria provided, single submitter. Criteria: Invitae Variant Classification Sherloc (09022015). Collection method: clinical testing. Allele origin: germline.
Comment: This sequence change replaces histidine, which is basic and polar, with leucine, which is neutral and non-polar, at codon 582 of the LBR protein (p.His582Leu). This variant is not present in population databases (gnomAD no frequency). This variant has not been reported in the literature in individuals affected with LBR-related conditions. Invitae Evidence Modeling of protein sequence and biophysical properties (such as structural, functional, and spatial information, amino acid conservation, physicochemical variation, residue mobility, and thermodynamic stability) indicates that this missense variant is expected to disrupt LBR protein function with a positive predictive value of 80%. In summary, the available evidence is currently insufficient to determine the role of this variant in disease. Therefore, it has been classified as a Variant of Uncertain Significance.

NM_002296.4(LBR):c.1745A>T (p.His582Leu)

Gene: LBR (lamin B receptor; minus strand). Cytogenetic location: 1q42.12.
Variant type: single nucleotide variant.
Coding change: c.1745A>T on transcript NM_002296.4 (MANE Select); coding-DNA position 1745, A replaced by T.
Protein change: p.His582Leu; replaces histidine 582 with leucine.
Molecular consequence: missense variant.
Genome position (GRCh38, 1-based): chr1:225,403,406, T>A on the plus strand (A>T on the coding strand, the complement: LBR is on the minus strand). VCF-style: chr1-225403406-T-A. GRCh37 (hg19) VCF-style: chr1-225591108-T-A.
Other names: c.1745A>T, p.His582Leu (NM_194442.3); short protein forms H582L.
Identifiers: ClinVar variation 3610255 (VCV003610255.2).